The following is an entry in ClinVar:

NM_001378454.1(ALMS1):c.5894T>G (p.Leu1965Arg)

Gene: ALMS1 (ALMS1 centrosome and basal body associated protein; plus strand). Cytogenetic location: 2p13.1.
Variant type: single nucleotide variant.
Coding change: c.5894T>G on transcript NM_001378454.1 (MANE Select); coding-DNA position 5894, T replaced by G.
Protein change: p.Leu1965Arg; replaces leucine 1965 with arginine.
Molecular consequence: missense variant.
Genome position (GRCh38, 1-based): chr2:73,452,421, T>G. VCF-style: chr2-73452421-T-G. GRCh37 (hg19) VCF-style: chr2-73679548-T-G.
Other names: c.5897T>G, p.Leu1966Arg (NM_015120.4); short protein forms L1965R, L1966R.
Identifiers: ClinVar variation 1980270 (VCV001980270.1), dbSNP rs2466106776, ClinGen allele CA347283806.

ClinVar aggregate classification (germline): Uncertain significance (1 of 4 stars; one submission).

Conditions:
Alstrom syndrome (ALMS). Identifiers: Orphanet 64, MedGen C0268425, MONDO:0008763, OMIM 203800.

Submission:

Labcorp Genetics (formerly Invitae), Labcorp
Classification: Uncertain significance for Alstrom syndrome. Last evaluated: 2022-05-08. Review status: criteria provided, single submitter. Criteria: Invitae Variant Classification Sherloc (09022015). Collection method: clinical testing. Allele origin: germline.
Comment: This sequence change replaces leucine, which is neutral and non-polar, with arginine, which is basic and polar, at codon 1966 of the ALMS1 protein (p.Leu1966Arg). This variant is not present in population databases (gnomAD no frequency). This variant has not been reported in the literature in individuals affected with ALMS1-related conditions. Experimental studies and prediction algorithms are not available or were not evaluated, and the functional significance of this variant is currently unknown. In summary, the available evidence is currently insufficient to determine the role of this variant in disease. Therefore, it has been classified as a Variant of Uncertain Significance.